The following is an entry in ClinVar:

NM_001042492.3(NF1):c.2178G>C (p.Val726=)

Gene: NF1 (neurofibromin 1; plus strand). Cytogenetic location: 17q11.2.
Variant type: single nucleotide variant.
Coding change: c.2178G>C on transcript NM_001042492.3 (MANE Select); coding-DNA position 2178, G replaced by C.
Protein change: p.Val726=; no amino-acid change (valine 726 retained).
Molecular consequence: synonymous variant.
Genome position (GRCh38, 1-based): chr17:31,226,611, G>C. VCF-style: chr17-31226611-G-C. GRCh37 (hg19) VCF-style: chr17-29553629-G-C.
Other names: c.2178G>C, p.Val726= (NM_000267.4).
Identifiers: ClinVar variation 184280 (VCV000184280.32), dbSNP rs369590240, ClinGen allele CA188471.

ClinVar aggregate classification (germline): Conflicting classifications of pathogenicity. Review status: criteria provided, conflicting classifications (1 of 4 stars). 14 submissions from 11 submitters: Uncertain significance (4); Benign (4); Likely benign (5). 1 of the submissions does not count toward it. Last evaluated 2026-05-18.

Conditions:
NF1-related disorder. Also called: NF1-related condition. Identifiers: MedGen CN379171.
Hereditary cancer-predisposing syndrome. Also called: Tumor predisposition; Neoplastic Syndromes, Hereditary; Hereditary Cancer Syndrome; Hereditary neoplastic syndrome. Identifiers: Orphanet 140162, MedGen C0027672, MeSH D009386, MONDO:0015356.
Café-au-lait macules with pulmonary stenosis (WTSN). Also called: PULMONIC STENOSIS WITH CAFE-AU-LAIT SPOTS. Identifiers: MedGen C0553586, MONDO:0008672, OMIM 193520.
Neurofibromatosis-Noonan syndrome (NFNS). Also called: NEUROFIBROMATOSIS WITH NOONAN PHENOTYPE. Identifiers: Orphanet 638, MedGen C2931482, MONDO:0011035, OMIM 601321. Disease mechanism: loss of function.
Neurofibromatosis, familial spinal (FSNF). Identifiers: Orphanet 636, MedGen C1834235, MONDO:0008078, OMIM 162210. Disease mechanism: loss of function.
Neurofibromatosis, type 1 (NF1). Also called: Peripheral type neurofibromatosis; Neurofibromatosis, type I; NEUROFIBROMATOSIS, TYPE I, SOMATIC; VON RECKLINGHAUSEN DISEASE. Identifiers: Orphanet 636, MedGen C0027831, MONDO:0018975, OMIM 162200. Disease mechanism: loss of function.

Allele frequency attached by ClinVar (database versions not stated): ESP Exome Variant Server 0.00008; gnomAD 0.00010 and 0.00011; gnomAD exomes 0.00012 and 0.00017; TOPMed 0.00013; ExAC 0.00016.
gnomAD v4.1: 205 of 1,613,774 alleles (0.013%); highest among the groups gnomAD compares: Admixed American, 0.0083%; no homozygotes.

Submissions (14):

Myriad Genetics, Inc.
Classification: Benign for Neurofibromatosis, type 1. Last evaluated: 2026-05-18. Review status: criteria provided, single submitter. Criteria: Myriad Autosomal Dominant, Autosomal Recessive and X-Linked Classification Criteria (2023). Collection method: clinical testing. Allele origin: unknown.
Comment: This variant is considered benign. This variant is a silent/synonymous amino acid change and it is not expected to impact splicing.

Labcorp Genetics (formerly Invitae), Labcorp
Classification: Benign for Neurofibromatosis, type 1. Last evaluated: 2026-02-04. Review status: criteria provided, single submitter. Criteria: Invitae Variant Classification Sherloc (09022015). Collection method: clinical testing. Allele origin: germline.

CeGaT Center for Human Genetics Tuebingen
Classification: Likely benign. Last evaluated: 2025-12-01. Review status: criteria provided, single submitter. Criteria: CeGaT Center For Human Genetics Tuebingen Variant Classification Criteria Version 2. Collection method: clinical testing. Allele origin: germline. Affected: yes. Observed: 2 variant alleles.
Comment: NF1: BP4, BP7

Institute for Biomarker Research, Medical Diagnostic Laboratories, L.L.C.
Classification: Likely benign for Hereditary cancer-predisposing syndrome. Last evaluated: 2024-08-12. Review status: criteria provided, single submitter. Criteria: ACMG Guidelines, 2015. Collection method: clinical testing. Allele origin: germline.
Comment: The p.Val726= variant is observed in 31/10,078 (0.3076%) alleles from individuals of gnomAD Ashkenazi Jewish background in gnomAD, which is greater than expected for the disorder. The p.Val726= variant is not predicted to disrupt an existing splice site. The p.Val726= variant results in a substitution of a base that is not predicted conserved by GERP++ and PhyloP. For these reasons, this variant has been classified as Likely Benign.

Blueprint Genetics
Classification: Likely benign. Last evaluated: 2024-04-29. Review status: criteria provided, single submitter. Criteria: ACMG Guidelines, 2015. Collection method: clinical testing. Allele origin: germline.

GeneDx
Classification: Likely benign. Last evaluated: 2021-10-27. Review status: criteria provided, single submitter. Criteria: GeneDx Variant Classification Process June 2021. Collection method: clinical testing. Allele origin: germline. Affected: yes.
Comment: This variant is associated with the following publications: (PMID: 18925961)

Genetic Services Laboratory, University of Chicago
Classification: Benign. Last evaluated: 2021-03-19. Review status: criteria provided, single submitter. Criteria: ACMG Guidelines, 2015. Collection method: clinical testing. Allele origin: germline. Affected: no.

Sema4
Classification: Benign for Hereditary cancer-predisposing syndrome. Last evaluated: 2020-07-14. Review status: criteria provided, single submitter. Criteria: Sema4 Curation Guidelines. Collection method: curation. Allele origin: germline.

Illumina Laboratory Services, Illumina
Classification: Uncertain significance for Neurofibromatosis, familial spinal. Last evaluated: 2017-04-27. Review status: criteria provided, single submitter. Criteria: ICSL Variant Classification Criteria 13 December 2019. Collection method: clinical testing. Allele origin: germline.

Illumina Laboratory Services, Illumina
Classification: Uncertain significance for Café-au-lait macules with pulmonary stenosis. Last evaluated: 2017-04-27. Review status: criteria provided, single submitter. Criteria: ICSL Variant Classification Criteria 13 December 2019. Collection method: clinical testing. Allele origin: germline.

Illumina Laboratory Services, Illumina
Classification: Uncertain significance for Neurofibromatosis-Noonan syndrome. Last evaluated: 2017-04-27. Review status: criteria provided, single submitter. Criteria: ICSL Variant Classification Criteria 13 December 2019. Collection method: clinical testing. Allele origin: germline.

Illumina Laboratory Services, Illumina
Classification: Uncertain significance for Neurofibromatosis, type 1. Last evaluated: 2017-04-27. Review status: criteria provided, single submitter. Criteria: ICSL Variant Classification Criteria 13 December 2019. Collection method: clinical testing. Allele origin: germline.

Ambry Genetics
Classification: Likely benign for Hereditary cancer-predisposing syndrome. Last evaluated: 2014-12-09. Review status: criteria provided, single submitter. Criteria: Ambry Autosomal Dominant and X-Linked criteria (10/2015). Collection method: clinical testing. Allele origin: germline. Observed: 1 variant allele.

PreventionGenetics, part of Exact Sciences
Classification: Likely benign for NF1-related condition. Last evaluated: 2019-11-12. Review status: no assertion criteria provided. Collection method: clinical testing. Allele origin: germline. Not counted in ClinVar's aggregate classification.
Comment: This variant is classified as likely benign based on ACMG/AMP sequence variant interpretation guidelines (Richards et al. 2015 PMID: 25741868, with internal and published modifications).